The following is an entry in ClinVar:

NM_003681.5(PDXK):c.417A>G (p.Lys139=)

Gene: PDXK (pyridoxal kinase; plus strand). Cytogenetic location: 21q22.3.
Variant type: single nucleotide variant.
Coding change: c.417A>G on transcript NM_003681.5 (MANE Select); coding-DNA position 417, A replaced by G.
Protein change: p.Lys139=; no amino-acid change (lysine 139 retained).
Molecular consequence: synonymous variant.
Genome position (GRCh38, 1-based): chr21:43,749,033, A>G. VCF-style: chr21-43749033-A-G. GRCh37 (hg19) VCF-style: chr21-45168914-A-G.
Other names: NC_000021.8:g.45168914A>G; c.297A>G, p.Lys99= (NM_001331030.2).
Identifiers: ClinVar variation 1701428 (VCV001701428.33), dbSNP rs112579284, ClinGen allele CA10048586.

ClinVar aggregate classification (germline): Likely benign. Review status: criteria provided, multiple submitters, no conflicts (2 of 4 stars). 2 submissions from 2 submitters: Likely benign (2). Last evaluated 2024-10-24.

Allele frequency attached by ClinVar (database versions not stated): gnomAD exomes 0.00055; ExAC 0.00065; 1000 Genomes Project 30x 0.00109; 1000 Genomes Project 0.00120; gnomAD 0.00219 and 0.00237; TOPMed 0.00231; ESP Exome Variant Server 0.00261.
gnomAD v4.1: 647 of 1,612,880 alleles (0.04%); highest among the groups gnomAD compares: African/African-American, 0.75%; 5 homozygotes.

Submissions (5):

Blueprint Genetics
Classification: Likely benign. Last evaluated: 2024-10-24. Review status: criteria provided, single submitter. Criteria: ACMG Guidelines, 2015. Collection method: clinical testing. Allele origin: germline.

CeGaT Center for Human Genetics Tuebingen
Classification: Likely benign. Last evaluated: 2022-07-01. Review status: criteria provided, single submitter. Criteria: CeGaT Center For Human Genetics Tuebingen Variant Classification Criteria Version 2. Collection method: clinical testing. Allele origin: germline. Affected: yes. Observed: 1 variant allele.
Comment: PDXK: BP4, BP7

Dr. Peter K. Rogan Lab, Western University
No classification provided (evidence only). Condition: Malignant tumor of urinary bladder. Review status: no classification provided. Collection method: in vitro. Allele origin: not applicable. Functional consequence: retained intron. Not counted in ClinVar's aggregate classification.

Dr. Peter K. Rogan Lab, Western University
No classification provided (evidence only). Condition: Familial cancer of breast. Review status: no classification provided. Collection method: in vitro. Allele origin: not applicable. Functional consequence: retained intron. Not counted in ClinVar's aggregate classification.

Dr. Peter K. Rogan Lab, Western University
No classification provided (evidence only). Condition: Hepatocellular carcinoma. Review status: no classification provided. Collection method: in vitro. Allele origin: not applicable. Functional consequence: retained intron. Not counted in ClinVar's aggregate classification.